The following is an entry in ClinVar:

NM_001204.7(BMPR2):c.529+2T>C

Gene: BMPR2 (bone morphogenetic protein receptor type 2; plus strand). Cytogenetic location: 2q33.2.
Variant type: single nucleotide variant.
Coding change: c.529+2T>C on transcript NM_001204.7 (MANE Select); the canonical splice donor site of the intron after coding-DNA position 529, T replaced by C.
Molecular consequence: splice donor variant.
Genome position (GRCh38, 1-based): chr2:202,513,831, T>C. VCF-style: chr2-202513831-T-C. GRCh37 (hg19) VCF-style: chr2-203378554-T-C.
Identifiers: ClinVar variation 425800 (VCV000425800.2), dbSNP rs1085307241, ClinGen allele CA350338507.
Genomic context (GRCh38, chr2:202,513,831, plus strand): 5'-AGTCTCTGTATTAGCTGTTTTGATAGTTGCCTTATGCTTTGGATACAGAATGTTGACAGG[T>C]AAAAATTACCATTTTTTGTCCTATTGTTTATTAAACATGCAATTTAATCAATTTATTTGC-3'

ClinVar aggregate classification (germline): Uncertain significance. Review status: reviewed by expert panel (3 of 4 stars). 2 submissions from 2 submitters: Uncertain significance (1). 1 of the submissions does not count toward it. Last evaluated 2024-05-03.

Conditions:
Pulmonary arterial hypertension. Identifiers: Orphanet 182090, MedGen C2973725, MeSH D000081029, MONDO:0015924, HP:0002092.
Pulmonary hypertension, primary, 1 (PPH1). Also called: Pulmonary hypertension, familial primary, 1, with or without HHT. Identifiers: Orphanet 422, MedGen C4552070, MONDO:0024533, OMIM 178600.

Submissions (2):

Clingen Pulmonary Hypertension Variant Curation Expert Panel, ClinGen
Classification: Uncertain significance for Pulmonary arterial hypertension. Last evaluated: 2024-05-03. Review status: reviewed by expert panel. Criteria: ClinGen PH ACMG Specifications BMPR2 V1.1.0. Collection method: curation. Allele origin: germline. Inheritance: Autosomal dominant inheritance.
Comment: The NM_001204.7(BMPR2) c.529+2T>C variant is located in the canonical donor splice site of intron 4. It is predicted to cause skipping of biologically relevant exon 4 (111 bp), resulting in an in-frame deletion of amino acids Ser140-Thr176 within the transmembrane domain, that is predicted to escape nonsense-mediated decay (PVS1_strong). The predictions were recorded under PVS1, so PP3 was not applied to avoid double counting. Although the variant is predicted to cause a change in the length of the protein due to in-frame deletion, no functional data are available and thus PM4 was not applied. This variant is absent from gnomAD v2.1.1 and v3.1.2 (PM2_supporting). In summary, this variant meets the criteria to be classified as uncertain significance for autosomal dominant pulmonary arterial hypertension based on the ACMG/AMP criteria applied, as specified by the ClinGen Pulmonary Hypertension VCEP: PVS1_strong, PM2_supporting. (VCEP specifications version 1.1, 1/18/2024)

Rare Disease Genomics Group, St George's University of London
Classification: Pathogenic for Primary pulmonary hypertension. Review status: no assertion criteria provided. Collection method: literature only. Allele origin: germline. Affected: yes. Not counted in ClinVar's aggregate classification.

Literature cited by the submitters: PubMed 22632830 (cited by Rare Disease Genomics Group, St George's University of London).